The following is an entry in ClinVar:

NM_002454.3(MTRR):c.1953-6_1953-2del

Gene: MTRR (5-methyltetrahydrofolate-homocysteine methyltransferase reductase; plus strand). Cytogenetic location: 5p15.31.
Variant type: Deletion.
Coding change: c.1953-6_1953-2del on transcript NM_002454.3 (MANE Select); 6 bases into the intron before coding-DNA position 1953 through the canonical splice acceptor site of the intron before coding-DNA position 1953, 5 bases deleted (TTCTA; older notation c.1953-6_1953-2delTTCTA).
Molecular consequence: splice acceptor variant.
Genome position (GRCh38, 1-based): chr5:7,899,908-7,899,912, TTCTA deleted. VCF-style (leftmost placement, unchanged base first): chr5-7899907-TTTCTA-T. GRCh37 (hg19) VCF-style: chr5-7900020-TTTCTA-T.
Other names: c.1953-6_1953-2del (NM_001364440.2, NM_001364441.2, NM_001364442.2 and 1 more transcripts).
Identifiers: ClinVar variation 2387303 (VCV002387303.4), dbSNP rs767124472, ClinGen allele CA3196138.
Genomic context (GRCh38, chr5:7,899,907, plus strand): 5'-GTGAATTAAGGAGGATTTACTAAAAATGCCTGTTTGTAAGCAGTCATCTTATTATTTTCT[TTTCTA>T]GAGATGCAAAGAATATGGCCAAGGATGTACATGATGCCCTTGTGCAAATAATAAGCAAAG-3'

ClinVar aggregate classification (germline): Pathogenic/Likely pathogenic. Review status: criteria provided, multiple submitters, no conflicts (2 of 4 stars). 3 submissions from 3 submitters: Pathogenic (1); Likely pathogenic (2). Last evaluated 2024-09-17.

Conditions:
Neural tube defects, folate-sensitive (NTDFS). Also called: NTD, FOLATE-SENSITIVE. Identifiers: Orphanet 823, MedGen C1866558, MONDO:0011120, OMIM 601634.
Methylcobalamin deficiency type cblE (HMAE). Also called: HOMOCYSTINURIA-MEGALOBLASTIC ANEMIA, cblE TYPE; VITAMIN B12-RESPONSIVE HOMOCYSTINURIA, cblE TYPE; HOMOCYSTINURIA-MEGALOBLASTIC ANEMIA, cblE COMPLEMENTATION TYPE. Identifiers: Orphanet 2169, Orphanet 622, MedGen C1856057, MONDO:0009354, OMIM 236270.
Inborn genetic diseases. Identifiers: MedGen C0950123, MeSH D030342.

Allele frequency attached by ClinVar (database versions not stated): TOPMed below 0.00001; gnomAD exomes 0.00002; gnomAD 0.00003; ExAC 0.00009.

Submissions (3):

Natera, Inc.
Classification: Likely pathogenic for CblE complementation type homocystinuria-megaloblastic anemia due to defect in cobalamin metabolism. Last evaluated: 2024-09-17. Review status: criteria provided, single submitter. Criteria: Natera Variant Classification Schema (03/2026). Collection method: clinical testing. Allele origin: germline.
Comment: The c.1953-6_1953-2delTTCTA variant in MTRR is a deletion affecting a canonical splice acceptor site. This variant may result in a truncated or dysfunctional protein product. This variant is rare in the general population with a frequency below the threshold expected for the associated phenotype(s). This variant has been observed in one or more individuals affected with the associated recessive disease, as either homozygous or compound heterozygous with a second variant (PMID: 15714522). Given the available evidence, this variant is classified as Likely Pathogenic.

Baylor Genetics
Classification: Pathogenic for Neural tube defects, folate-sensitive. Last evaluated: 2024-02-13. Review status: criteria provided, single submitter. Criteria: ACMG Guidelines, 2015. Collection method: clinical testing. Allele origin: unknown.

Ambry Genetics
Classification: Likely pathogenic for Inborn genetic diseases. Last evaluated: 2021-06-06. Review status: criteria provided, single submitter. Criteria: Ambry Variant Classification Scheme 2023. Collection method: clinical testing. Allele origin: germline.
Comment: The c.1953-6_1953-2delTTCTA variant results from a deletion of 5 nucleotides between positions c.1953-6 and c.1953-2 and involves the canonical splice acceptor site before coding exon 14, which is the last exon in the MTRR gene. This alteration occurs at the 3' terminus of the MTRR gene, is not expected to trigger nonsense-mediated mRNA decay, and only impacts the last 7% of the protein. The exact functional effect of this alteration is unknown; however, a significant portion of the protein is affected (Ambry internal data). Based on data from the Genome Aggregation Database (gnomAD) database, the MTRR c.1953-6_1953-2delTTCTA alteration was observed in 0.01% (18/282526) of total alleles studied. This alteration has been detected in the compound heterozygous state with another pathogenic alteration in an individual with cblE-homocystinuria (Zavad&aacute;kov&aacute;, 2005). The canonical splice acceptor site is highly conserved in available vertebrate species. In silico splice site analysis predicts that this alteration will weaken the native splice acceptor site. Based on the available evidence, this alteration is classified as likely pathogenic.

Literature cited by the submitters: PubMed 15714522 (cited by Natera, Inc. and Ambry Genetics).